The following is an entry in ClinVar:

ClinVar aggregate classification (germline): Uncertain significance. Review status: criteria provided, multiple submitters, no conflicts (2 of 4 stars). 6 submissions from 6 submitters: Uncertain significance (6). Last evaluated 2026-08-31.

Conditions:
TTN-related disorder. Also called: TTN-related condition; TTN-related disease; TTN-related disorders.
Cardiovascular phenotype. Identifiers: MedGen CN230736.
Autosomal recessive limb-girdle muscular dystrophy type 2J (LGMDR10). Also called: MUSCULAR DYSTROPHY, LIMB-GIRDLE, AUTOSOMAL RECESSIVE 10; Limb-girdle muscular dystrophy, type 2J. Identifiers: Orphanet 140922, MedGen C1837342, MONDO:0012127, OMIM 608807.
Dilated cardiomyopathy 1G (CMD1G). Identifiers: Orphanet 154, MedGen C1858763, MONDO:0011400, OMIM 604145.

Allele frequency attached by ClinVar (database versions not stated): 1000 Genomes Project 30x 0.00031; gnomAD exomes 0.00005 and 0.00002; TOPMed 0.00011; gnomAD 0.00015 and 0.00016; 1000 Genomes Project 0.00020; ExAC 0.00003.
gnomAD v4.1: 57 of 1,613,448 alleles (0.0035%); highest among the groups gnomAD compares: African/African-American, 0.051%; no homozygotes.

Submissions (6):

PreventionGenetics, part of Exact Sciences
Classification: Uncertain significance for TTN-related condition. Last evaluated: 2026-08-31. Review status: criteria provided, single submitter. Criteria: ACMG Guidelines, 2015. Collection method: clinical testing. Allele origin: germline.
Comment: The TTN c.60734G>A variant is predicted to result in the amino acid substitution p.Arg20245Gln. This variant has been reported to be associated with QT interval variation in a population-based cohort study (Kapoor et al. 2016. PubMed ID: 27321809). This variant is reported in 0.041% of alleles in individuals of African descent in gnomAD. At this time, the clinical significance of this variant is uncertain due to the absence of conclusive functional and genetic evidence.

Women's Health and Genetics/Laboratory Corporation of America, LabCorp
Classification: Uncertain significance. Last evaluated: 2025-12-02. Review status: criteria provided, single submitter. Criteria: LabCorp Variant Classification Summary - May 2015. Collection method: clinical testing. Allele origin: germline.
Comment: Variant summary: TTN c.53030G>A (p.Arg17677Gln) results in a conservative amino acid change located in the A band region of the encoded protein sequence. Algorithms developed to predict the effect of missense changes on protein structure and function are either unavailable or do not agree on the potential impact of this missense change. The variant allele was found at a frequency of 4.8e-05 in 247704 control chromosomes (gnomAD). This frequency is not significantly higher than estimated for disease-causing variants in TTN, allowing no conclusion about variant significance. c.53030G>A has been reported in the literature in a population-based cohort study of QT interval variation; however clinical details were not providedy (Kapoor_2016). The report does not provide unequivocal conclusions about association of the variant with Dilated Cardiomyopathy. To our knowledge, no experimental evidence demonstrating an impact on protein function has been reported. The following publication have been ascertained in the context of this evaluation (PMID: 27321809). ClinVar contains an entry for this variant (Variation ID: 238818). Based on the evidence outlined above, the variant was classified as uncertain significance.

Revvity Omics, Revvity
Classification: Uncertain significance. Last evaluated: 2020-01-24. Review status: criteria provided, single submitter. Criteria: ACMG Guidelines, 2015. Collection method: clinical testing. Allele origin: germline.

Ambry Genetics
Classification: Uncertain significance for Cardiovascular phenotype. Last evaluated: 2019-03-26. Review status: criteria provided, single submitter. Criteria: Ambry Variant Classification Scheme 2023. Collection method: clinical testing. Allele origin: germline.
Comment: The p.R11180Q variant (also known as c.33539G>A), located in coding exon 131 of the TTN gene, results from a G to A substitution at nucleotide position 33539. The arginine at codon 11180 is replaced by glutamine, an amino acid with highly similar properties. This variant was identified in a population-based cohort study of QT interval variation; however clinical details were not provided (Kapoor A et al. Sci Rep, 2016;6:28356 (reported as p.R20245Q)). This amino acid position is highly conserved in available vertebrate species. In addition, the in silico prediction for this alteration is inconclusive. Since supporting evidence is limited at this time, the clinical significance of this alteration remains unclear.

Eurofins Ntd Llc (ga)
Classification: Uncertain significance. Last evaluated: 2017-01-18. Review status: criteria provided, single submitter. Criteria: EGL Classification Definitions 2015. Collection method: clinical testing. Allele origin: germline. Observed: 1 variant allele, 1 heterozygote.

Labcorp Genetics (formerly Invitae), Labcorp
Classification: Uncertain significance for Dilated cardiomyopathy 1G; Autosomal recessive limb-girdle muscular dystrophy type 2J. Last evaluated: 2016-10-25. Review status: criteria provided, single submitter. Criteria: Invitae Variant Classification Sherloc (09022015). Collection method: clinical testing. Allele origin: germline.
Comment: This sequence change replaces arginine with glutamine at codon 20245 of the TTN protein (p.Arg20245Gln). The arginine residue is highly conserved and there is a small physicochemical difference between arginine and glutamine. This variant is present in population databases (rs575837567, ExAC 0.02%) but has not been reported in the literature. Algorithms developed to predict the effect of missense changes on protein structure and function (SIFT, PolyPhen-2, Align-GVGD) all suggest that this variant is likely to be disruptive, but these predictions have not been confirmed by published functional studies. In summary, this is a rare missense change with uncertain impact on protein function. It has been classified as a Variant of Uncertain Significance.

Literature cited by the submitters: PubMed 27321809 (cited by Women's Health and Genetics/Laboratory Corporation of America, LabCorp and Ambry Genetics).

NM_001267550.2(TTN):c.60734G>A (p.Arg20245Gln)

Genes: TTN-AS1 (TTN antisense RNA 1; plus strand), TTN (titin; minus strand). Cytogenetic location: 2q31.2.
Variant type: single nucleotide variant.
Coding change: c.60734G>A on transcript NM_001267550.2 (MANE Select); coding-DNA position 60734, G replaced by A.
Protein change: p.Arg20245Gln; replaces arginine 20245 with glutamine.
Molecular consequence: missense variant.
Genome position (GRCh38, 1-based): chr2:178,590,991, C>T on the plus strand (G>A on the coding strand, the complement: TTN is on the minus strand). VCF-style: chr2-178590991-C-T. GRCh37 (hg19) VCF-style: chr2-179455718-C-T.
Other names: c.55811G>A, p.Arg18604Gln (NM_001256850.1); c.33539G>A, p.Arg11180Gln (NM_003319.4); c.53030G>A, p.Arg17677Gln (NM_133378.4); c.33914G>A, p.Arg11305Gln (NM_133432.3); c.34115G>A, p.Arg11372Gln (NM_133437.4); short protein forms R20245Q, R17677Q, R18604Q, R11180Q, R11372Q, R11305Q.
Identifiers: ClinVar variation 238818 (VCV000238818.12), dbSNP rs575837567, ClinGen allele CA1992453.
Genomic context (GRCh38, chr2:178,590,991, plus strand): 5'-GCAACAGTAGGTGTGGAGTCAAGGGGAGGACCAACACCTATCTTATTCTCTGCTCTAACT[C>T]GGAAAACATATTCACAGCCCTTCTGCAGATGTGGGATTTTCAGCTTTGTCTTACTGCTTC-3'
Protein context (NP_001254479.2, residues 20235-20255): HLQKGCEYVF[Arg20245Gln]VRAENKIGVG